The following is an entry in ClinVar:

ClinVar aggregate classification (germline): Uncertain significance. Review status: criteria provided, multiple submitters, no conflicts (2 of 4 stars). 3 submissions from 3 submitters: Uncertain significance (3). Last evaluated 2024-11-05.

Conditions:
Vanishing white matter disease. Also called: CACH syndrome; Childhood ataxia with diffuse central nervous system hypomyelination; Leukoencephalopathy with vanishing white matter; CACH/VWM syndrome; Cree leukoencehalopathy. Identifiers: Orphanet 135, Orphanet 99853, MedGen C1858991, MONDO:0800448.

Allele frequency attached by ClinVar (database versions not stated): gnomAD exomes 0.00002 and 0.00004; ExAC 0.00003; TOPMed 0.00003.

Submissions (3):

Labcorp Genetics (formerly Invitae), Labcorp
Classification: Uncertain significance. Last evaluated: 2024-11-05. Review status: criteria provided, single submitter. Criteria: Invitae Variant Classification Sherloc (09022015). Collection method: clinical testing. Allele origin: germline.
Comment: This sequence change replaces phenylalanine, which is neutral and non-polar, with serine, which is neutral and polar, at codon 57 of the EIF2B5 protein (p.Phe57Ser). This variant is present in population databases (rs758129111, gnomAD 0.01%). This variant has not been reported in the literature in individuals affected with EIF2B5-related conditions. ClinVar contains an entry for this variant (Variation ID: 1372063). Invitae Evidence Modeling of protein sequence and biophysical properties (such as structural, functional, and spatial information, amino acid conservation, physicochemical variation, residue mobility, and thermodynamic stability) indicates that this missense variant is not expected to disrupt EIF2B5 protein function with a negative predictive value of 80%. In summary, the available evidence is currently insufficient to determine the role of this variant in disease. Therefore, it has been classified as a Variant of Uncertain Significance.

Blueprint Genetics
Classification: Uncertain significance. Last evaluated: 2022-09-02. Review status: criteria provided, single submitter. Criteria: ACMG Guidelines, 2015. Collection method: clinical testing. Allele origin: germline.

Fulgent Genetics
Classification: Uncertain significance for Leukoencephalopathy with vanishing white matter 1. Last evaluated: 2021-12-09. Review status: criteria provided, single submitter. Criteria: ACMG Guidelines, 2015. Collection method: clinical testing. Allele origin: unknown.

NM_003907.3(EIF2B5):c.170T>C (p.Phe57Ser)

Genes: EIF2B5 (eukaryotic translation initiation factor 2B subunit epsilon; plus strand), LOC129938041 (ATAC-STARR-seq lymphoblastoid silent region 14954; plus strand). Cytogenetic location: 3q27.1.
Variant type: single nucleotide variant.
Coding change: c.170T>C on transcript NM_003907.3 (MANE Select); coding-DNA position 170, T replaced by C.
Protein change: p.Phe57Ser; replaces phenylalanine 57 with serine.
Molecular consequence: missense variant.
Genome position (GRCh38, 1-based): chr3:184,135,555, T>C. VCF-style: chr3-184135555-T-C. GRCh37 (hg19) VCF-style: chr3-183853343-T-C.
Other names: short protein forms F57S.
Identifiers: ClinVar variation 1372063 (VCV001372063.7), dbSNP rs758129111, ClinGen allele CA2726326.